The following is an entry in ClinVar:

ClinVar aggregate classification (germline): Uncertain significance (1 of 4 stars; one submission).

Submission:

Mayo Clinic Laboratories, Mayo Clinic
Classification: Uncertain significance. Last evaluated: 2022-02-24. Review status: criteria provided, single submitter. Criteria: ACMG Guidelines, 2015. Collection method: clinical testing. Allele origin: germline. Observed: 1 variant allele.
Comment: BP4, PM2

NM_018668.5(VPS33B):c.232A>G (p.Asn78Asp)

Gene: VPS33B (VPS33B late endosome and lysosome associated; minus strand). Cytogenetic location: 15q26.1.
Variant type: single nucleotide variant.
Coding change: c.232A>G on transcript NM_018668.5 (MANE Select); coding-DNA position 232, A replaced by G.
Protein change: p.Asn78Asp; replaces asparagine 78 with aspartic acid.
Molecular consequence: missense variant. On other transcripts: intron variant (1).
Genome position (GRCh38, 1-based): chr15:91,016,970, T>C on the plus strand (A>G on the coding strand, the complement: VPS33B is on the minus strand). VCF-style: chr15-91016970-T-C. GRCh37 (hg19) VCF-style: chr15-91560200-T-C.
Other names: p.Asn78Asp; c.151A>G, p.Asn51Asp (NM_001289148.1); c.-35+835A>G (NM_001289149.1); short protein forms N51D, N78D.
Identifiers: ClinVar variation 2683331 (VCV002683331.1), dbSNP rs2544264909, ClinGen allele CA393861107.